The following is an entry in ClinVar:

ClinVar aggregate classification (germline): Conflicting classifications of pathogenicity. Review status: criteria provided, conflicting classifications (1 of 4 stars). 2 submissions from 2 submitters: Uncertain significance (1); Likely benign (1). Last evaluated 2025-12-01.

Conditions:
Hereditary cancer-predisposing syndrome. Also called: Hereditary Cancer Syndrome; Neoplastic Syndromes, Hereditary; Tumor predisposition; Hereditary neoplastic syndrome. Identifiers: Orphanet 140162, MedGen C0027672, MeSH D009386, MONDO:0015356.
Parathyroid carcinoma (PRTC). Also called: CDC73-Related Parathyroid Carcinoma; Parathyroid gland carcinoma. Identifiers: Orphanet 143, MedGen C0687150, MONDO:0012004, OMIM 608266, HP:0006780.

Allele frequency attached by ClinVar (database versions not stated): gnomAD 0.00001; ExAC 0.00002; ESP Exome Variant Server 0.00008.
gnomAD v4.1: 1 of 1,613,732 alleles (0.000062%); highest among the groups gnomAD compares: African/African-American, 0.0013%; no homozygotes.

Submissions (2):

Labcorp Genetics (formerly Invitae), Labcorp
Classification: Uncertain significance for Parathyroid carcinoma. Last evaluated: 2025-12-01. Review status: criteria provided, single submitter. Criteria: Invitae Variant Classification Sherloc (09022015). Collection method: clinical testing. Allele origin: germline.
Comment: This sequence change replaces glycine, which is neutral and non-polar, with aspartic acid, which is acidic and polar, at codon 396 of the CDC73 protein (p.Gly396Asp). This variant is present in population databases (rs146571552, gnomAD 0.01%). This variant has not been reported in the literature in individuals affected with CDC73-related conditions. ClinVar contains an entry for this variant (Variation ID: 1743794). Invitae Evidence Modeling of protein sequence and biophysical properties (such as structural, functional, and spatial information, amino acid conservation, physicochemical variation, residue mobility, and thermodynamic stability) indicates that this missense variant is not expected to disrupt CDC73 protein function with a negative predictive value of 80%. In summary, the available evidence is currently insufficient to determine the role of this variant in disease. Therefore, it has been classified as a Variant of Uncertain Significance.

Ambry Genetics
Classification: Likely benign for Hereditary cancer-predisposing syndrome. Last evaluated: 2022-09-21. Review status: criteria provided, single submitter. Criteria: Ambry Variant Classification Scheme 2023. Collection method: clinical testing. Allele origin: germline.

NM_024529.5(CDC73):c.1187G>A (p.Gly396Asp)

Gene: CDC73 (cell division cycle 73; plus strand). Cytogenetic location: 1q31.2.
Variant type: single nucleotide variant.
Coding change: c.1187G>A on transcript NM_024529.5 (MANE Select); coding-DNA position 1187, G replaced by A.
Protein change: p.Gly396Asp; replaces glycine 396 with aspartic acid.
Molecular consequence: missense variant.
Genome position (GRCh38, 1-based): chr1:193,233,025, G>A. VCF-style: chr1-193233025-G-A. GRCh37 (hg19) VCF-style: chr1-193202155-G-A.
Other names: short protein forms G396D.
Identifiers: ClinVar variation 1743794 (VCV001743794.7), dbSNP rs146571552, ClinGen allele CA1303801.